The following is an entry in ClinVar:

ClinVar aggregate classification (germline): Conflicting classifications of pathogenicity. Review status: criteria provided, conflicting classifications (1 of 4 stars). 13 submissions from 9 submitters: Uncertain significance (8); Benign (2); Likely benign (3). Last evaluated 2024-03-23.

Conditions:
Dilated cardiomyopathy 1G (CMD1G). Identifiers: Orphanet 154, MedGen C1858763, MONDO:0011400, OMIM 604145.
Autosomal recessive limb-girdle muscular dystrophy type 2J (LGMDR10). Also called: Limb-girdle muscular dystrophy, type 2J; MUSCULAR DYSTROPHY, LIMB-GIRDLE, AUTOSOMAL RECESSIVE 10. Identifiers: Orphanet 140922, MedGen C1837342, MONDO:0012127, OMIM 608807.
Cardiovascular phenotype. Identifiers: MedGen CN230736.
Early-onset myopathy with fatal cardiomyopathy (CMYO5). Also called: Salih Myopathy; CONGENITAL MYOPATHY 5 WITH CARDIOMYOPATHY. Identifiers: Orphanet 289377, MedGen C2673677, MONDO:0012714, OMIM 611705. Disease mechanism: loss of function.
Myopathy, myofibrillar, 9, with early respiratory failure (MFM9). Also called: Hereditary myopathy with early respiratory failure; Myopathy, distal, with early respiratory failure, autosomal dominant; EDSTROM MYOPATHY; MYOPATHY, PROXIMAL, WITH EARLY RESPIRATORY MUSCLE INVOLVEMENT. Identifiers: Orphanet 178464, Orphanet 34521, MedGen C1863599, MONDO:0011362, OMIM 603689.
Tibial muscular dystrophy (TMD). Also called: Udd Distal Myopathy – Tibial Muscular Dystrophy; Tibial muscular dystrophy, tardive; UDD MYOPATHY. Identifiers: Orphanet 609, MedGen C1838244, MONDO:0010870, OMIM 600334.

Allele frequency attached by ClinVar (database versions not stated): ExAC 0.00003; gnomAD 0.00004; TOPMed 0.00005.
gnomAD v4.1: 197 of 1,613,726 alleles (0.012%); highest among the groups gnomAD compares: East Asian, 0.31%; 1 homozygote.

Submissions (13):

Blueprint Genetics
Classification: Likely benign. Last evaluated: 2024-03-23. Review status: criteria provided, single submitter. Criteria: ACMG Guidelines, 2015. Collection method: clinical testing. Allele origin: germline.

Women's Health and Genetics/Laboratory Corporation of America, LabCorp
Classification: Uncertain significance. Last evaluated: 2023-02-20. Review status: criteria provided, single submitter. Criteria: LabCorp Variant Classification Summary - May 2015. Collection method: clinical testing. Allele origin: germline.
Comment: Variant summary: TTN c.7619G>A (p.Arg2540His) results in a non-conservative amino acid change located in the I-band of the encoded protein sequence. Four of five in-silico tools predict a benign effect of the variant on protein function. The variant allele was found at a frequency of 4e-05 in 249974 control chromosomes. This frequency is not significantly higher than estimated for a pathogenic variant in TTN causing Dilated Cardiomyopathy (4e-05 vs 0.00039), allowing no conclusion about variant significance. To our knowledge, no occurrence of c.7619G>A in individuals affected with Dilated Cardiomyopathy and no experimental evidence demonstrating its impact on protein function have been reported. Co-occurrences with a pathogenic variant has been reported (TTN c.48868C>T, p.Arg16290X), providing supporting evidence for a benign role. Six clinical diagnostic laboratories have submitted clinical-significance assessments for this variant to ClinVar after 2014 without evidence for independent evaluation. Multiple laboratories reported the variant with conflicting assessments (benign/likely benign n=3, VUS n=3). Based on the evidence outlined above, the variant was classified as VUS-possibly benign.

CeGaT Center for Human Genetics Tuebingen
Classification: Uncertain significance. Last evaluated: 2020-05-01. Review status: criteria provided, single submitter. Criteria: CeGaT Center For Human Genetics Tuebingen Variant Classification Criteria Version 2. Collection method: clinical testing. Allele origin: germline. Affected: yes. Observed: 1 variant allele.

Illumina Laboratory Services, Illumina
Classification: Benign for Tibial muscular dystrophy. Last evaluated: 2018-01-12. Review status: criteria provided, single submitter. Criteria: ICSL Variant Classification Criteria 13 December 2019. Collection method: clinical testing. Allele origin: germline.
Comment: This variant was observed in the ICSL laboratory as part of a predisposition screen in an ostensibly healthy population. It had not been previously curated by ICSL or reported in the Human Gene Mutation Database (HGMD: prior to June 1st, 2018), and was therefore a candidate for classification through an automated scoring system. Utilizing variant allele frequency, disease prevalence and penetrance estimates, and inheritance mode, an automated score was calculated to assess if this variant is too frequent to cause the disease. Based on the score and internal cut-off values, a variant classified as benign is not then subjected to further curation. The score for this variant resulted in a classification of benign for this disease.

Illumina Laboratory Services, Illumina
Classification: Uncertain significance for Early-onset myopathy with fatal cardiomyopathy. Last evaluated: 2018-01-12. Review status: criteria provided, single submitter. Criteria: ICSL Variant Classification Criteria 13 December 2019. Collection method: clinical testing. Allele origin: germline.

Illumina Laboratory Services, Illumina
Classification: Benign for Myopathy, myofibrillar, 9, with early respiratory failure. Last evaluated: 2018-01-12. Review status: criteria provided, single submitter. Criteria: ICSL Variant Classification Criteria 13 December 2019. Collection method: clinical testing. Allele origin: germline.
Comment: the same text as in the submission from Illumina Laboratory Services, Illumina above.

Illumina Laboratory Services, Illumina
Classification: Uncertain significance for Dilated cardiomyopathy 1G. Last evaluated: 2018-01-12. Review status: criteria provided, single submitter. Criteria: ICSL Variant Classification Criteria 13 December 2019. Collection method: clinical testing. Allele origin: germline.

Illumina Laboratory Services, Illumina
Classification: Uncertain significance for Autosomal recessive limb-girdle muscular dystrophy type 2J. Last evaluated: 2018-01-12. Review status: criteria provided, single submitter. Criteria: ICSL Variant Classification Criteria 13 December 2019. Collection method: clinical testing. Allele origin: germline.

GeneDx
Classification: Likely benign. Last evaluated: 2017-06-05. Review status: criteria provided, single submitter. Criteria: GeneDx Variant Classification (06012015). Collection method: clinical testing. Allele origin: germline. Affected: yes.
Comment: This variant is considered likely benign or benign based on one or more of the following criteria: it is a conservative change, it occurs at a poorly conserved position in the protein, it is predicted to be benign by multiple in silico algorithms, and/or has population frequency not consistent with disease.

Labcorp Genetics (formerly Invitae), Labcorp
Classification: Uncertain significance for Dilated cardiomyopathy 1G; Autosomal recessive limb-girdle muscular dystrophy type 2J. Last evaluated: 2016-10-09. Review status: criteria provided, single submitter. Criteria: Invitae Variant Classification Sherloc (09022015). Collection method: clinical testing. Allele origin: germline.

Laboratory for Molecular Medicine, Mass General Brigham Personalized Medicine
Classification: Likely benign. Last evaluated: 2016-07-13. Review status: criteria provided, single submitter. Criteria: LMM Criteria. Collection method: clinical testing. Allele origin: germline. Observed: 2 variant alleles.
Comment: p.Arg2540His in exon 33 of TTN: This variant is not expected to have clinical si gnificance due to a lack of conservation across species, including mammals. Of n ote, multiple mammals (including other primates) have a histidine (His) at this position despite high nearby amino acid conservation. In addition, computational analyses (AlignGVGD, SIFT) do not suggest a high likelihood of impact to the pr otein. This variant has been identified in 2/11488 Latino chromosomes by the Exo me Aggregation Consortium (ExAC; dbSNP rs3975177 25).

Ambry Genetics
Classification: Uncertain significance for Cardiovascular phenotype. Last evaluated: 2013-10-30. Review status: criteria provided, single submitter. Criteria: Ambry Autosomal Dominant and X-Linked criteria (10/2015). Collection method: clinical testing. Allele origin: germline. Observed: 1 variant allele.
Comment: The p.R2540H variant (also known as c.7619G>A) is located in coding exon 32 of the TTNgene. This alteration results from a G to A substitution at nucleotide position 7619. The arginine at codon 2540 is replaced by histidine, an amino acid with highly similar properties.This variant was not reported in population-based cohorts in the following databases: Database of Single Nucleotide Polymorphisms (dbSNP), the 1000 Genomes Project and the NHLBI Exome Sequencing Project (ESP). In the ESP, this variant was not observed in 6501 samples (13002 alleles) with coverage at this position. Based on protein sequence alignment, this amino acid position isnot conserved in available vertebrate species, with histidine as the reference amino acid in numerous species.In addition, this alteration is predicted to be benignby PolyPhen in silico analysis. Since supporting evidence is limited at this time, the clinical significance of this variant remains unclear.

Biesecker Lab/Clinical Genomics Section, National Institutes of Health
Classification: Uncertain significance. Last evaluated: 2013-06-24. Review status: criteria provided, single submitter. Criteria: Ng et al. (Circ Cardiovasc Genet. 2013). Collection method: research. Allele origin: unknown. Observed: 1 variant allele. Study: ClinSeq.
Comment: The study set was not selected for affection status in relation to any cancer. Pathogenicity categories were based on literature curation. See Pubmed ID:23861362 for details.

Medical sequencing

NM_001267550.2(TTN):c.7619G>A (p.Arg2540His)

Gene: TTN (titin; minus strand). Cytogenetic location: 2q31.2.
Variant type: single nucleotide variant.
Coding change: c.7619G>A on transcript NM_001267550.2 (MANE Select); coding-DNA position 7619, G replaced by A.
Protein change: p.Arg2540His; replaces arginine 2540 with histidine.
Molecular consequence: missense variant.
Genome position (GRCh38, 1-based): chr2:178,773,345, C>T on the plus strand (G>A on the coding strand, the complement: TTN is on the minus strand). VCF-style: chr2-178773345-C-T. GRCh37 (hg19) VCF-style: chr2-179638072-C-T.
Other names: c.7619G>A, p.Arg2540His (NM_001256850.1, NM_133378.4, NM_133379.5); c.7481G>A, p.Arg2494His (NM_003319.4, NM_133432.3, NM_133437.4); short protein forms R2540H, R2494H.
Identifiers: ClinVar variation 47431 (VCV000047431.54), dbSNP rs397517725, ClinGen allele CA140973.
Genomic context (GRCh38, chr2:178,773,345, plus strand): 5'-CCAGAGTGGGACAGCTCAACCTCAAACACCACATTTTGAGTTTCTGTACAGGTAAGGTCA[C>T]GAAGACCTCTGATAATTTTAATTTCTGGGGAAAAAATAAAATAATCTCTTGGTTATTGTT-3'
Protein context (NP_001254479.2, residues 2530-2550): VEKIKIIRGL[Arg2540His]DLTCTETQNV